The following is an entry in ClinVar:

NM_015294.6(TRIM37):c.1999C>T (p.Arg667Ter)

Gene: TRIM37 (tripartite motif containing 37; minus strand). Cytogenetic location: 17q22.
Variant type: single nucleotide variant.
Coding change: c.1999C>T on transcript NM_015294.6 (MANE Select); coding-DNA position 1999, C replaced by T.
Protein change: p.Arg667Ter; replaces arginine 667 with a stop codon.
Molecular consequence: nonsense. On other transcripts: non-coding transcript variant (2).
Genome position (GRCh38, 1-based): chr17:59,028,673, G>A on the plus strand (C>T on the coding strand, the complement: TRIM37 is on the minus strand). VCF-style: chr17-59028673-G-A. GRCh37 (hg19) VCF-style: chr17-57106034-G-A.
Other names: c.1999C>T, p.Arg667Ter (NM_001005207.5, NM_001320988.3, NM_001320989.3 and 1 more transcripts); c.1897C>T, p.Arg633Ter (NM_001320987.3, NM_001353082.2); c.1633C>T, p.Arg545Ter (NM_001320990.3); c.1264C>T, p.Arg422Ter (NM_001353083.2); c.1537C>T, p.Arg513Ter (NM_001353085.2); c.1948C>T, p.Arg650Ter (NM_001353086.2); short protein forms R422*, R513*, R545*, R633*, R650*, R667*.
Identifiers: ClinVar variation 2679248 (VCV002679248.4), dbSNP rs312262702, ClinGen allele CA8678153.

ClinVar aggregate classification (germline): Pathogenic. Review status: criteria provided, multiple submitters, no conflicts (2 of 4 stars). 2 submissions from 2 submitters: Pathogenic (2). Last evaluated 2023-11-25.

Conditions:
Mulibrey nanism syndrome. Also called: MUSCLE-LIVER-BRAIN-EYE NANISM; PERHEENTUPA SYNDROME; PERICARDIAL CONSTRICTION AND GROWTH FAILURE. Identifiers: Orphanet 2576, MedGen C0524582, MONDO:0009664, OMIM 253250.

Allele frequency attached by ClinVar (database versions not stated): gnomAD exomes 0.00001; ExAC 0.00002.
gnomAD v4.1: 12 of 1,614,060 alleles (0.00074%); highest among the groups gnomAD compares: African/African-American, 0.0027%; no homozygotes.

Submissions (2):

Labcorp Genetics (formerly Invitae), Labcorp
Classification: Pathogenic. Last evaluated: 2023-11-25. Review status: criteria provided, single submitter. Criteria: Invitae Variant Classification Sherloc (09022015). Collection method: clinical testing. Allele origin: germline.
Comment: This sequence change creates a premature translational stop signal (p.Arg667*) in the TRIM37 gene. It is expected to result in an absent or disrupted protein product. Loss-of-function variants in TRIM37 are known to be pathogenic (PMID: 10888877, 15108285). This variant is present in population databases (rs312262702, gnomAD 0.004%). This variant has not been reported in the literature in individuals affected with TRIM37-related conditions. Algorithms developed to predict the effect of sequence changes on RNA splicing suggest that this variant may create or strengthen a splice site. For these reasons, this variant has been classified as Pathogenic.

Baylor Genetics
Classification: Pathogenic for Mulibrey nanism syndrome. Last evaluated: 2023-08-01. Review status: criteria provided, single submitter. Criteria: ACMG Guidelines, 2015. Collection method: clinical testing. Allele origin: unknown.

Literature cited by the submitters: PubMed 10888877 (cited by Labcorp Genetics (formerly Invitae), Labcorp); PubMed 15108285 (cited by Labcorp Genetics (formerly Invitae), Labcorp).